The following is an entry in ClinVar:

ClinVar aggregate classification (germline): Uncertain significance (1 of 4 stars; one submission).

Conditions:
Congenital myopathy with internal nuclei and atypical cores. Also called: Myopathy, centronuclear, 4. Identifiers: Orphanet 319160, MedGen C4707232, MONDO:0013890, OMIM 614807.

Submission:

Labcorp Genetics (formerly Invitae), Labcorp
Classification: Uncertain significance for Congenital myopathy with internal nuclei and atypical cores. Last evaluated: 2022-06-04. Review status: criteria provided, single submitter. Criteria: Invitae Variant Classification Sherloc (09022015). Collection method: clinical testing. Allele origin: germline.
Comment: In summary, the available evidence is currently insufficient to determine the role of this variant in disease. Therefore, it has been classified as a Variant of Uncertain Significance. Algorithms developed to predict the effect of sequence changes on RNA splicing suggest that this variant may disrupt the consensus splice site. This sequence change creates a premature translational stop signal (p.Lys170Glyfs*57) in the CCDC78 gene. It is expected to result in an absent or disrupted protein product. However, the current clinical and genetic evidence is not sufficient to establish whether loss-of-function variants in CCDC78 cause disease. This variant is not present in population databases (gnomAD no frequency). This variant has not been reported in the literature in individuals affected with CCDC78-related conditions. ClinVar contains an entry for this variant (Variation ID: 646871).

NM_001378030.1(CCDC78):c.508_512del (p.Lys170fs)

Gene: CCDC78 (coiled-coil domain containing 78; minus strand). Cytogenetic location: 16p13.3.
Variant type: Microsatellite.
Coding change: c.508_512del on transcript NM_001378030.1 (MANE Select); coding-DNA positions 508 to 512, 5 bases deleted (AAGTG; older notation c.508_512delAAGTG).
Protein change: p.Lys170fs; shifts the reading frame from lysine 170.
Molecular consequence: frameshift variant. On other transcripts: non-coding transcript variant (5).
Genome position (GRCh38, 1-based): chr16:725,126-725,130, CACTT deleted on the plus strand (AAGTG on the coding strand, the reverse complement: CCDC78 is on the minus strand); deleting any 5 consecutive bases within chr16:725,126-725,136 gives the same sequence; the c. name uses the placement nearest the transcript's 3' end. VCF-style (leftmost placement, unchanged base first): chr16-725125-CCACTT-C. GRCh37 (hg19) VCF-style: chr16-775125-CCACTT-C.
Other names: c.508_512del, p.Lys170fs (NM_001031737.3, NM_001378031.1); c.146_150del, p.Glu49fs (NM_001378033.1); short protein forms K170fs, E49fs.
Identifiers: ClinVar variation 646871 (VCV000646871.6), dbSNP rs1466789176, ClinGen allele CA723565405.
Genomic context (GRCh38, chr16:725,125, plus strand): 5'-GATGGCCACTCACACACGCGTCACCAGTGCCTGCTGCCGGGCCTCCTGATGCTCCAGCGC[CCACTT>C]CACTTCCCCCTGCAGCTGTGGGGCACACAGGGCTGGCTGGATGAGACCCTAGGCTTGGGG-3'